The following is an entry in ClinVar:

ClinVar aggregate classification (germline): Likely pathogenic (1 of 4 stars; one submission).

Submission:

GeneDx
Classification: Likely pathogenic. Last evaluated: 2018-10-30. Review status: criteria provided, single submitter. Criteria: GeneDx Variant Classification (06012015). Collection method: clinical testing. Allele origin: germline. Affected: yes.
Comment: The c.542dupC variant in the LZTR1 gene has not been reported previously as a pathogenic variant nor as a benign variant, to our knowledge. The c.542dupC variant causes a frameshift starting with codon Valine 182, changes this amino acid to a Glycine residue, and creates a premature Stop codon at position 4 of the new reading frame, denoted p.Val182GlyfsX4. This variant is predicted to cause loss of normal protein function either through protein truncation or nonsense-mediated mRNA decay. The c.542dupCvariant is not observed in large population cohorts (Lek et al., 2016). We interpret c.542dupC as a likely pathogenic variant.

NM_006767.4(LZTR1):c.542dup (p.Val182fs)

Gene: LZTR1 (leucine zipper like transcription regulator 1; plus strand). Cytogenetic location: 22q11.21.
Variant type: Duplication.
Coding change: c.542dup on transcript NM_006767.4 (MANE Select); coding-DNA position 542, one base duplicated (C; older notation c.542dupC).
Protein change: p.Val182fs; shifts the reading frame from valine 182.
Molecular consequence: frameshift variant.
Genome position (GRCh38, 1-based): chr22:20,988,821, C duplicated. VCF-style (leftmost placement, unchanged base first): chr22-20988820-A-AC. GRCh37 (hg19) VCF-style: chr22-21343109-A-AC.
Other names: short protein forms V182fs.
Identifiers: ClinVar variation 817867 (VCV000817867.1), dbSNP rs1601717797, ClinGen allele CA915952825.